The following is an entry in ClinVar:

NM_000443.4(ABCB4):c.1456A>C (p.Ile486Leu)

Gene: ABCB4 (ATP binding cassette subfamily B member 4; minus strand). Cytogenetic location: 7q21.12.
Variant type: single nucleotide variant.
Coding change: c.1456A>C on transcript NM_000443.4 (MANE Select); coding-DNA position 1456, A replaced by C.
Protein change: p.Ile486Leu; replaces isoleucine 486 with leucine.
Molecular consequence: missense variant.
Genome position (GRCh38, 1-based): chr7:87,440,303, T>G on the plus strand (A>C on the coding strand, the complement: ABCB4 is on the minus strand). VCF-style: chr7-87440303-T-G. GRCh37 (hg19) VCF-style: chr7-87069619-T-G.
Other names: c.1456A>C, p.Ile486Leu (NM_018849.3, NM_018850.3); short protein forms I486L.
Identifiers: ClinVar variation 4993575 (VCV004993575.1).

ClinVar aggregate classification (germline): Uncertain significance (1 of 4 stars; one submission).

Conditions:
ABCB4-related disorder. Also called: ABCB4-related disorders; ABCB4-related condition.

Submission:

PreventionGenetics, part of Exact Sciences
Classification: Uncertain significance for ABCB4-related condition. Last evaluated: 2026-04-02. Review status: criteria provided, single submitter. Criteria: ACMG Guidelines, 2015. Collection method: clinical testing. Allele origin: germline.
Comment: The ABCB4 c.1456A>C variant is predicted to result in the amino acid substitution p.Ile486Leu. To our knowledge, this variant has not been reported in the literature or in a large population database (gnomAD), indicating this variant is rare. At this time, the clinical significance of this variant is uncertain due to the absence of conclusive functional and genetic evidence.